The following is an entry in ClinVar:

ClinVar aggregate classification (germline): Uncertain significance (1 of 4 stars; one submission).

Conditions:
Cardiovascular phenotype. Identifiers: MedGen CN230736.

Allele frequency attached by ClinVar (database versions not stated): gnomAD exomes below 0.00001; gnomAD 0.00001.
gnomAD v4.1: 6 of 1,613,470 alleles (0.00037%); highest among the groups gnomAD compares: African/African-American, 0.0013%; no homozygotes.

Submission:

Ambry Genetics
Classification: Uncertain significance for Cardiovascular phenotype. Last evaluated: 2022-12-17. Review status: criteria provided, single submitter. Criteria: Ambry Variant Classification Scheme 2023. Collection method: clinical testing. Allele origin: germline.
Comment: The p.V2982A variant (also known as c.8945T>C), located in coding exon 25 of the TNXB gene, results from a T to C substitution at nucleotide position 8945. The valine at codon 2982 is replaced by alanine, an amino acid with similar properties. This amino acid position is conserved. In addition, this alteration is predicted to be tolerated by in silico analysis. Since supporting evidence is limited at this time, the clinical significance of this alteration remains unclear.

NM_001365276.2(TNXB):c.8951T>C (p.Val2984Ala)

Gene: TNXB (tenascin XB; minus strand). Cytogenetic location: 6p21.33.
Variant type: single nucleotide variant.
Coding change: c.8951T>C on transcript NM_001365276.2 (MANE Select); coding-DNA position 8951, T replaced by C.
Protein change: p.Val2984Ala; replaces valine 2984 with alanine.
Molecular consequence: missense variant.
Genome position (GRCh38, 1-based): chr6:32,052,834, A>G on the plus strand (T>C on the coding strand, the complement: TNXB is on the minus strand). VCF-style: chr6-32052834-A-G. GRCh37 (hg19) VCF-style: chr6-32020611-A-G.
Other names: c.8945T>C, p.Val2982Ala (NM_019105.8); short protein forms V2984A, V2982A.
Identifiers: ClinVar variation 2446942 (VCV002446942.2), dbSNP rs1326482414, ClinGen allele CA363545336.